The following is an entry in ClinVar:

NM_003728.4(UNC5C):c.2221C>T (p.Leu741=)

Gene: UNC5C (unc-5 netrin receptor C; minus strand). Cytogenetic location: 4q22.3.
Variant type: single nucleotide variant.
Coding change: c.2221C>T on transcript NM_003728.4 (MANE Select); coding-DNA position 2221, C replaced by T.
Protein change: p.Leu741=; no amino-acid change (leucine 741 retained).
Molecular consequence: synonymous variant.
Genome position (GRCh38, 1-based): chr4:95,185,112, G>A on the plus strand (C>T on the coding strand, the complement: UNC5C is on the minus strand). VCF-style: chr4-95185112-G-A. GRCh37 (hg19) VCF-style: chr4-96106263-G-A.
Identifiers: ClinVar variation 3057306 (VCV003057306.2), dbSNP rs1339815696, ClinGen allele CA440414692.
Genomic context (GRCh38, chr4:95,185,112, plus strand): 5'-ATTTAGCCAGCAATTTGCTCTTCCAGAGGGAATGGGCGATATCGTGAATTGACAGGCGCA[G>A]GTTGTGGGTGCTGCCTTTAAAATGAAGAGCCTTAGGTTCTTCTAGGAGCTGTCCTCCCAT-3'
Protein context (NP_003719.3, residues 731-751): ALHFKGSTHN[Leu741=]RLSIHDIAHS

ClinVar aggregate classification (germline): Likely benign (0 of 4 stars; one submission).

Conditions:
UNC5C-related disorder. Also called: UNC5C-related condition.

gnomAD v4.1: 4 of 1,614,090 alleles (0.00025%); highest among the groups gnomAD compares: Middle Eastern, 0.066%; no homozygotes.

Submission:

PreventionGenetics, part of Exact Sciences
Classification: Likely benign for UNC5C-related condition. Last evaluated: 2019-04-12. Review status: no assertion criteria provided. Collection method: clinical testing. Allele origin: germline.
Comment: This variant is classified as likely benign based on ACMG/AMP sequence variant interpretation guidelines (Richards et al. 2015 PMID: 25741868, with internal and published modifications).